The following is an entry in ClinVar:

ClinVar aggregate classification (germline): Benign/Likely benign. Review status: criteria provided, multiple submitters, no conflicts (2 of 4 stars). 7 submissions from 7 submitters: Benign (2); Likely benign (5). Last evaluated 2026-02-02.

Conditions:
POLE-related polyposis and colorectal cancer syndrome. Identifiers: MedGen CN324030, MONDO:0100287.
Hereditary cancer-predisposing syndrome. Also called: Tumor predisposition; Neoplastic Syndromes, Hereditary; Hereditary neoplastic syndrome; Hereditary Cancer Syndrome. Identifiers: Orphanet 140162, MedGen C0027672, MeSH D009386, MONDO:0015356.

Allele frequency attached by ClinVar (database versions not stated): gnomAD 0.00011 and 0.00015; TOPMed 0.00028; ExAC 0.00036; gnomAD exomes 0.00037; 1000 Genomes Project 0.00080; 1000 Genomes Project 30x 0.00094.
gnomAD v4.1: 201 of 1,608,536 alleles (0.012%); highest among the groups gnomAD compares: East Asian, 0.39%; 1 homozygote.

Submissions (7):

Labcorp Genetics (formerly Invitae), Labcorp
Classification: Benign. Last evaluated: 2026-02-02. Review status: criteria provided, single submitter. Criteria: Invitae Variant Classification Sherloc (09022015). Collection method: clinical testing. Allele origin: germline.

Center for Genomic Medicine, Rigshospitalet, Copenhagen University Hospital
Classification: Likely benign. Last evaluated: 2025-03-04. Review status: criteria provided, single submitter. Criteria: ACMG Guidelines, 2015. Collection method: clinical testing. Allele origin: germline.

Blueprint Genetics
Classification: Likely benign. Last evaluated: 2024-09-17. Review status: criteria provided, single submitter. Criteria: ACMG Guidelines, 2015. Collection method: clinical testing. Allele origin: germline.

Department of Pathology and Laboratory Medicine, Sinai Health System
Classification: Likely benign for POLE-related polyposis and colorectal cancer syndrome. Last evaluated: 2024-03-13. Review status: criteria provided, single submitter. Criteria: ACMG Guidelines, 2015. Collection method: clinical testing. Allele origin: germline.

Sema4
Classification: Benign for Hereditary cancer-predisposing syndrome. Last evaluated: 2021-02-18. Review status: criteria provided, single submitter. Criteria: Sema4 Curation Guidelines. Collection method: curation. Allele origin: germline.

ARUP Laboratories, Molecular Genetics and Genomics, ARUP Laboratories
Classification: Likely benign. Last evaluated: 2020-07-02. Review status: criteria provided, single submitter. Criteria: ARUP Molecular Germline Variant Investigation Process. Collection method: clinical testing. Allele origin: germline.

GeneDx
Classification: Likely benign. Last evaluated: 2017-03-31. Review status: criteria provided, single submitter. Criteria: GeneDx Variant Classification (06012015). Collection method: clinical testing. Allele origin: germline. Affected: yes.
Comment: This variant is considered likely benign or benign based on one or more of the following criteria: it is a conservative change, it occurs at a poorly conserved position in the protein, it is predicted to be benign by multiple in silico algorithms, and/or has population frequency not consistent with disease.

NM_006231.4(POLE):c.285+13C>A

Gene: POLE (DNA polymerase epsilon, catalytic subunit; minus strand). Cytogenetic location: 12q24.33.
Variant type: single nucleotide variant.
Coding change: c.285+13C>A on transcript NM_006231.4 (MANE Select); 13 bases into the intron after coding-DNA position 285, C replaced by A.
Molecular consequence: intron variant.
Genome position (GRCh38, 1-based): chr12:132,680,594, G>T on the plus strand (C>A on the coding strand, the complement: POLE is on the minus strand). VCF-style: chr12-132680594-G-T. GRCh37 (hg19) VCF-style: chr12-133257180-G-T.
Identifiers: ClinVar variation 386826 (VCV000386826.26), dbSNP rs76960367, ClinGen allele CA6894392.